The following is an entry in ClinVar:

ClinVar aggregate classification (germline): Benign. Review status: criteria provided, single submitter (1 of 4 stars). 2 submissions from 2 submitters: Benign (1). 1 of the submissions does not count toward it. Last evaluated 2018-05-08.

Conditions:
YTHDC2-related disorder. Also called: YTHDC2-related condition.

Allele frequency attached by ClinVar (database versions not stated): gnomAD exomes 0.00015 and 0.00045; ExAC 0.00060; 1000 Genomes Project 30x 0.00156; 1000 Genomes Project 0.00180; gnomAD 0.00205 and 0.00210; TOPMed 0.00205; ESP Exome Variant Server 0.00231.
gnomAD v4.1: 576 of 1,611,270 alleles (0.036%); highest among the groups gnomAD compares: African/African-American, 0.64%; 5 homozygotes.

Submissions (2):

Labcorp Genetics (formerly Invitae), Labcorp
Classification: Benign. Last evaluated: 2018-05-08. Review status: criteria provided, single submitter. Criteria: Invitae Variant Classification Sherloc (09022015). Collection method: clinical testing. Allele origin: germline.

PreventionGenetics, part of Exact Sciences
Classification: Likely benign for YTHDC2-related condition. Last evaluated: 2019-05-20. Review status: no assertion criteria provided. Collection method: clinical testing. Allele origin: germline. Not counted in ClinVar's aggregate classification.
Comment: This variant is classified as likely benign based on ACMG/AMP sequence variant interpretation guidelines (Richards et al. 2015 PMID: 25741868, with internal and published modifications).

NM_022828.5(YTHDC2):c.1452C>T (p.Ala484=)

Gene: YTHDC2 (YTH N6-methyladenosine RNA binding protein C2; plus strand). Cytogenetic location: 5q22.2.
Variant type: single nucleotide variant.
Coding change: c.1452C>T on transcript NM_022828.5 (MANE Select); coding-DNA position 1452, C replaced by T.
Protein change: p.Ala484=; no amino-acid change (alanine 484 retained).
Molecular consequence: synonymous variant.
Genome position (GRCh38, 1-based): chr5:113,542,460, C>T. VCF-style: chr5-113542460-C-T. GRCh37 (hg19) VCF-style: chr5-112878157-C-T.
Other names: c.966C>T, p.Ala322= (NM_001345975.2); c.552C>T, p.Ala184= (NM_001345976.2); c.1452C>T (NM_022828.4).
Identifiers: ClinVar variation 733689 (VCV000733689.5), dbSNP rs113734823, ClinGen allele CA3371793.